The following is an entry in ClinVar:

NM_006663.4(PPP1R13L):c.1305T>C (p.Pro435=)

Gene: PPP1R13L (protein phosphatase 1 regulatory subunit 13 like; minus strand). Cytogenetic location: 19q13.32.
Variant type: single nucleotide variant.
Coding change: c.1305T>C on transcript NM_006663.4 (MANE Select); coding-DNA position 1305, T replaced by C.
Protein change: p.Pro435=; no amino-acid change (proline 435 retained).
Molecular consequence: synonymous variant.
Genome position (GRCh38, 1-based): chr19:45,395,485, A>G on the plus strand (T>C on the coding strand, the complement: PPP1R13L is on the minus strand). VCF-style: chr19-45395485-A-G. GRCh37 (hg19) VCF-style: chr19-45898743-A-G.
Other names: c.1305T>C, p.Pro435= (NM_001142502.2).
Identifiers: ClinVar variation 2650107 (VCV002650107.24), dbSNP rs1463236152, ClinGen allele CA507954047.

ClinVar aggregate classification (germline): Likely benign (1 of 4 stars; one submission).

Submission:

CeGaT Center for Human Genetics Tuebingen
Classification: Likely benign. Last evaluated: 2022-12-01. Review status: criteria provided, single submitter. Criteria: CeGaT Center For Human Genetics Tuebingen Variant Classification Criteria Version 2. Collection method: clinical testing. Allele origin: germline. Affected: yes. Observed: 1 variant allele.
Comment: PPP1R13L: BP4, BP7